The following is an entry in ClinVar:

ClinVar aggregate classification (germline): Uncertain significance. Review status: criteria provided, multiple submitters, no conflicts (2 of 4 stars). 4 submissions from 3 submitters: Uncertain significance (4). Last evaluated 2023-11-04.

Conditions:
Usher syndrome type 2A. Also called: RETINAL DISEASE IN USHER SYNDROME TYPE IIA, MODIFIER OF; USHER SYNDROME, TYPE IIA. Identifiers: Orphanet 231178, Orphanet 886, MedGen C1848634, MONDO:0010169, OMIM 276901.
Retinitis pigmentosa 39 (RP39). Identifiers: Orphanet 791, MedGen C3151138, MONDO:0013436, OMIM 613809.

Allele frequency attached by ClinVar (database versions not stated): TOPMed below 0.00001; gnomAD 0.00001; ExAC 0.00012; gnomAD exomes 0.00015.
gnomAD v4.1: 93 of 1,613,944 alleles (0.0058%); highest among the groups gnomAD compares: South Asian, 0.1%; 4 homozygotes.

Submissions (4):

Genome-Nilou Lab
Classification: Uncertain significance for Retinitis pigmentosa 39. Last evaluated: 2023-11-04. Review status: criteria provided, single submitter. Criteria: ACMG Guidelines, 2015. Collection method: clinical testing. Allele origin: germline. Affected: no.

Genome-Nilou Lab
Classification: Uncertain significance for Usher syndrome type 2A. Last evaluated: 2023-11-04. Review status: criteria provided, single submitter. Criteria: ACMG Guidelines, 2015. Collection method: clinical testing. Allele origin: germline. Affected: no.

GeneDx
Classification: Uncertain significance. Last evaluated: 2022-12-23. Review status: criteria provided, single submitter. Criteria: GeneDx Variant Classification Process June 2021. Collection method: clinical testing. Allele origin: germline. Affected: yes.

Labcorp Genetics (formerly Invitae), Labcorp
Classification: Uncertain significance. Last evaluated: 2022-03-15. Review status: criteria provided, single submitter. Criteria: Invitae Variant Classification Sherloc (09022015). Collection method: clinical testing. Allele origin: germline.
Comment: This sequence change replaces arginine, which is basic and polar, with glycine, which is neutral and non-polar, at codon 1885 of the USH2A protein (p.Arg1885Gly). This variant is present in population databases (rs768501386, gnomAD 0.07%). This variant has not been reported in the literature in individuals affected with USH2A-related conditions. Algorithms developed to predict the effect of missense changes on protein structure and function (SIFT, PolyPhen-2, Align-GVGD) all suggest that this variant is likely to be disruptive. In summary, the available evidence is currently insufficient to determine the role of this variant in disease. Therefore, it has been classified as a Variant of Uncertain Significance.

NM_206933.4(USH2A):c.5653A>G (p.Arg1885Gly)

Genes: USH2A (usherin; minus strand), USH2A-AS2 (USH2A antisense RNA 2; plus strand). Cytogenetic location: 1q41.
Variant type: single nucleotide variant.
Coding change: c.5653A>G on transcript NM_206933.4 (MANE Select); coding-DNA position 5653, A replaced by G.
Protein change: p.Arg1885Gly; replaces arginine 1885 with glycine.
Molecular consequence: missense variant.
Genome position (GRCh38, 1-based): chr1:216,073,220, T>C on the plus strand (A>G on the coding strand, the complement: USH2A is on the minus strand). VCF-style: chr1-216073220-T-C. GRCh37 (hg19) VCF-style: chr1-216246562-T-C.
Other names: c.5653A>G (NM_206933.2); short protein forms R1885G.
Identifiers: ClinVar variation 2186228 (VCV002186228.3), dbSNP rs768501386, ClinGen allele CA1395388.